The following is an entry in ClinVar:

NM_004415.4(DSP):c.4748C>T (p.Thr1583Ile)

Gene: DSP (desmoplakin; plus strand). Cytogenetic location: 6p24.3.
Variant type: single nucleotide variant.
Coding change: c.4748C>T on transcript NM_004415.4 (MANE Select); coding-DNA position 4748, C replaced by T.
Protein change: p.Thr1583Ile; replaces threonine 1583 with isoleucine.
Molecular consequence: missense variant. On other transcripts: intron variant (2).
Genome position (GRCh38, 1-based): chr6:7,580,938, C>T. VCF-style: chr6-7580938-C-T. GRCh37 (hg19) VCF-style: chr6-7581171-C-T.
Other names: c.4050+698C>T (NM_001319034.2); c.3582+1166C>T (NM_001008844.3); short protein forms T1583I.
Identifiers: ClinVar variation 1171039 (VCV001171039.3), dbSNP rs778603023, ClinGen allele CA362687070.
Genomic context (GRCh38, chr6:7,580,938, plus strand): 5'-TGAAAGAGCTGCAGCTGCAGAAGCAGAAGGTGGAAGAGGAGCTGAATCGGCTGAAGAGGA[C>T]CGCGTCAGAAGACTCCTGCAAGAGGAAGAAGCTGGAGGAAGAGCTGGAAGGCATGAGGAG-3'
Protein context (NP_004406.2, residues 1573-1593): VEEELNRLKR[Thr1583Ile]ASEDSCKRKK

ClinVar aggregate classification (germline): Uncertain significance (1 of 4 stars; one submission).

Conditions:
Cardiomyopathy (CMYO). Also called: Cardiomyopathies. Identifiers: Orphanet 167848, MedGen C0878544, MONDO:0004994, HP:0001638. Inheritance: Various modes of inheritance.

gnomAD v4.1: 1 of 1,614,098 alleles (0.000062%); no homozygotes.

Submission:

Color Diagnostics, LLC DBA Color Health
Classification: Uncertain significance for Cardiomyopathy. Last evaluated: 2024-03-06. Review status: criteria provided, single submitter. Criteria: ACMG Guidelines, 2015. Collection method: clinical testing. Allele origin: germline.
Comment: This missense variant replaces threonine with isoleucine at codon 1583 of the DSP protein. Computational prediction suggests that this variant may not impact protein structure and function (internally defined REVEL score threshold <= 0.5, PMID: 27666373). To our knowledge, functional studies have not been reported for this variant. This variant has not been reported in individuals affected with cardiovascular disorders in the literature. This variant has not been identified in the general population by the Genome Aggregation Database (gnomAD). The available evidence is insufficient to determine the role of this variant in disease conclusively. Therefore, this variant is classified as a Variant of Uncertain Significance.